The following is an entry in ClinVar:

NC_000007.13:g.(?_150642453)_(150675001_?)del

Gene: KCNH2 (potassium voltage-gated channel subfamily H member 2; minus strand). Cytogenetic location: 7q36.1.
Variant type: Deletion.
Identifiers: ClinVar variation 2422621 (VCV002422621.1).

ClinVar aggregate classification (germline): Pathogenic (1 of 4 stars; one submission).

Conditions:
Long QT syndrome (LQTS). Identifiers: MedGen C0023976, MeSH D008133, MONDO:0002442. Disease mechanism: loss of function. Inheritance: Various modes of inheritance.

Submission:

Labcorp Genetics (formerly Invitae), Labcorp
Classification: Pathogenic for Long QT syndrome. Last evaluated: 2022-07-25. Review status: criteria provided, single submitter. Criteria: Invitae Variant Classification Sherloc (09022015). Collection method: clinical testing. Allele origin: germline.
Comment: A gross deletion of the genomic region encompassing the full coding sequence of the KCNH2 gene has been identified. Loss-of-function variants in KCNH2 are known to be pathogenic (PMID: 10973849, 19862833). The boundaries of this event are unknown as they extend beyond the assayed region for this gene and therefore may encompass additional genes. This variant has not been reported in the literature in individuals affected with KCNH2-related conditions. For these reasons, this variant has been classified as Pathogenic.

Literature cited by the submitters: PubMed 10973849; PubMed 19862833.